The following is an entry in ClinVar:

NM_021815.5(SLC5A7):c.1670T>C (p.Phe557Ser)

Gene: SLC5A7 (solute carrier family 5 member 7; plus strand). Cytogenetic location: 2q12.3.
Variant type: single nucleotide variant.
Coding change: c.1670T>C on transcript NM_021815.5 (MANE Select); coding-DNA position 1670, T replaced by C.
Protein change: p.Phe557Ser; replaces phenylalanine 557 with serine.
Molecular consequence: missense variant.
Genome position (GRCh38, 1-based): chr2:108,010,788, T>C. VCF-style: chr2-108010788-T-C. GRCh37 (hg19) VCF-style: chr2-108627244-T-C.
Other names: c.1670T>C, p.Phe557Ser (NM_001305005.3); c.1355T>C, p.Phe452Ser (NM_001305006.3); c.929T>C, p.Phe310Ser (NM_001305007.3); short protein forms F557S, F310S, F452S.
Identifiers: ClinVar variation 582728 (VCV000582728.6), dbSNP rs1558873189, ClinGen allele CA348115095.
Genomic context (GRCh38, chr2:108,010,788, plus strand): 5'-TTAAATTAGATGAACTTGCACTTGTGAAGCCACGACAGAGCATGACCCTCAGCTCAACTT[T>C]CACCAATAAAGAGGCCTTCCTTGATGTTGATTCCAGTCCAGAAGGGTCTGGGACTGAAGA-3'
Protein context (NP_068587.1, residues 547-567): PRQSMTLSST[Phe557Ser]TNKEAFLDVD

ClinVar aggregate classification (germline): Uncertain significance (1 of 4 stars; one submission).

Conditions:
Neuronopathy, distal hereditary motor, type 7A. Also called: Neuronopathy, distal hereditary motor, type viia; NEURONOPATHY, DISTAL HEREDITARY MOTOR, HARDING TYPE VIIA; NEUROPATHY, DISTAL HEREDITARY MOTOR, HARDING TYPE VIIA; Neuronopathy, distal hereditary motor, autosomal dominant 7; HARPER-YOUNG MYOPATHY; HMN VIIA. Identifiers: Orphanet 139589, MedGen C1834703, MONDO:0008024, OMIM 158580.
Congenital myasthenic syndrome 20. Also called: Myasthenic syndrome, congenital, 20, presynaptic. Identifiers: MedGen C4310694, MONDO:0014939, OMIM 617143.

Submission:

Labcorp Genetics (formerly Invitae), Labcorp
Classification: Uncertain significance for Neuronopathy, distal hereditary motor, type 7A; Congenital myasthenic syndrome 20. Last evaluated: 2018-01-04. Review status: criteria provided, single submitter. Criteria: Invitae Variant Classification Sherloc (09022015). Collection method: clinical testing. Allele origin: germline.
Comment: This sequence change replaces phenylalanine with serine at codon 557 of the SLC5A7 protein (p.Phe557Ser). The phenylalanine residue is highly conserved and there is a large physicochemical difference between phenylalanine and serine. This variant is not present in population databases (ExAC no frequency). This variant has not been reported in the literature in individuals with SLC5A7-related disease. Algorithms developed to predict the effect of missense changes on protein structure and function do not agree on the potential impact of this missense change (SIFT: "Deleterious"; PolyPhen-2: "Benign"; Align-GVGD: "Class C25"). In summary, the available evidence is currently insufficient to determine the role of this variant in disease. Therefore, it has been classified as a Variant of Uncertain Significance.